The following is an entry in ClinVar:

NM_000059.4(BRCA2):c.4715C>T (p.Ala1572Val)

Gene: BRCA2 (BRCA2 DNA repair associated; plus strand). Cytogenetic location: 13q13.1.
Variant type: single nucleotide variant.
Coding change: c.4715C>T on transcript NM_000059.4 (MANE Select); coding-DNA position 4715, C replaced by T.
Protein change: p.Ala1572Val; replaces alanine 1572 with valine.
Molecular consequence: missense variant.
Genome position (GRCh38, 1-based): chr13:32,339,070, C>T. VCF-style: chr13-32339070-C-T. GRCh37 (hg19) VCF-style: chr13-32913207-C-T.
Other names: c.4715C>T, p.Ala1572Val (NM_001406719.1, NM_001406720.1); short protein forms A1572V.
Identifiers: ClinVar variation 1742611 (VCV001742611.5), dbSNP rs2072511378, ClinGen allele CA387782958.

ClinVar aggregate classification (germline): Conflicting classifications of pathogenicity. Review status: criteria provided, conflicting classifications (1 of 4 stars). 3 submissions from 3 submitters: Uncertain significance (2); Likely benign (1). Last evaluated 2025-05-28.

Conditions:
Hereditary cancer-predisposing syndrome. Also called: Hereditary Cancer Syndrome; Hereditary neoplastic syndrome; Neoplastic Syndromes, Hereditary; Tumor predisposition. Identifiers: Orphanet 140162, MedGen C0027672, MeSH D009386, MONDO:0015356.
Hereditary breast ovarian cancer syndrome. Also called: Hereditary breast and ovarian cancer syndrome (HBOC); Hereditary breast and ovarian cancer syndrome; Breast and ovarian cancer; Hereditary breast and/or ovarian cancer syndrome; Hereditary breast and ovarian cancer; BRCA1- and BRCA2-Associated Hereditary Breast and Ovarian Cancer. Identifiers: Orphanet 145, MedGen C0677776, MeSH D061325, MONDO:0003582. Disease mechanism: loss of function.

gnomAD v4.1: 8 of 1,613,950 alleles (0.0005%); highest among the groups gnomAD compares: Non-Finnish European, 0.00068%; no homozygotes.

Submissions (3):

Labcorp Genetics (formerly Invitae), Labcorp
Classification: Uncertain significance for Hereditary breast ovarian cancer syndrome. Last evaluated: 2025-05-28. Review status: criteria provided, single submitter. Criteria: Invitae Variant Classification Sherloc (09022015). Collection method: clinical testing. Allele origin: germline.
Comment: This sequence change replaces alanine, which is neutral and non-polar, with valine, which is neutral and non-polar, at codon 1572 of the BRCA2 protein (p.Ala1572Val). This variant is not present in population databases (gnomAD no frequency). This variant has not been reported in the literature in individuals affected with BRCA2-related conditions. ClinVar contains an entry for this variant (Variation ID: 1742611). Invitae Evidence Modeling of protein sequence and biophysical properties (such as structural, functional, and spatial information, amino acid conservation, physicochemical variation, residue mobility, and thermodynamic stability) indicates that this missense variant is not expected to disrupt BRCA2 protein function with a negative predictive value of 95%. In summary, the available evidence is currently insufficient to determine the role of this variant in disease. Therefore, it has been classified as a Variant of Uncertain Significance.

University of Washington Department of Laboratory Medicine, University of Washington
Classification: Likely benign for Hereditary cancer-predisposing syndrome. Last evaluated: 2023-03-23. Review status: criteria provided, single submitter. Criteria: Dines et al. (Genet Med. 2020). Collection method: curation. Allele origin: germline.
Comment: Missense variant in a coldspot region where missense variants are very unlikely to be pathogenic (PMID:31911673).

BRCA2 exon 11 coldspot. Reclassification based on statistical prior probability.

Ambry Genetics
Classification: Uncertain significance for Hereditary cancer-predisposing syndrome. Last evaluated: 2022-09-21. Review status: criteria provided, single submitter. Criteria: Ambry Variant Classification Scheme 2023. Collection method: clinical testing. Allele origin: germline.
Comment: The p.A1572V variant (also known as c.4715C>T), located in coding exon 10 of the BRCA2 gene, results from a C to T substitution at nucleotide position 4715. The alanine at codon 1572 is replaced by valine, an amino acid with similar properties. This amino acid position is poorly conserved in available vertebrate species. In addition, this alteration is predicted to be tolerated by in silico analysis. Since supporting evidence is limited at this time, the clinical significance of this alteration remains unclear.